The following is an entry in ClinVar:

NM_176787.5(PIGN):c.2441_2442del (p.Ser814fs)

Gene: PIGN (phosphatidylinositol glycan anchor biosynthesis class N; minus strand). Cytogenetic location: 18q21.33.
Variant type: Microsatellite.
Coding change: c.2441_2442del on transcript NM_176787.5 (MANE Select); coding-DNA positions 2441 to 2442, 2 bases deleted (CT; older notation c.2441_2442delCT).
Protein change: p.Ser814fs; shifts the reading frame from serine 814.
Molecular consequence: frameshift variant.
Genome position (GRCh38, 1-based): chr18:62,084,591-62,084,592, AG deleted on the plus strand (CT on the coding strand, the reverse complement: PIGN is on the minus strand); deleting any 2 consecutive bases within chr18:62,084,591-62,084,594 gives the same sequence; the c. name uses the placement nearest the transcript's 3' end. VCF-style (leftmost placement, unchanged base first): chr18-62084590-CAG-C. GRCh37 (hg19) VCF-style: chr18-59751823-CAG-C.
Other names: c.2441_2442del, p.Ser814fs (NM_012327.6); short protein forms S814fs.
Identifiers: ClinVar variation 843074 (VCV000843074.1), dbSNP rs2033603128, ClinGen allele CA916083651.

ClinVar aggregate classification (germline): Pathogenic (1 of 4 stars; one submission).

Conditions:
Multiple congenital anomalies-hypotonia-seizures syndrome 1 (MCAHS1). Also called: PIGN-CDG; Congenital disorder of glycosylation due to PIGN deficiency; GLYCOSYLPHOSPHATIDYLINOSITOL BIOSYNTHESIS DEFECT 3. Identifiers: Orphanet 280633, MedGen C3279775, MONDO:0013563, OMIM 614080.

Submission:

Labcorp Genetics (formerly Invitae), Labcorp
Classification: Pathogenic for Multiple congenital anomalies-hypotonia-seizures syndrome 1. Last evaluated: 2019-04-24. Review status: criteria provided, single submitter. Criteria: Invitae Variant Classification Sherloc (09022015). Collection method: clinical testing. Allele origin: germline.
Comment: This sequence change creates a premature translational stop signal (p.Ser814Cysfs*33) in the PIGN gene. It is expected to result in an absent or disrupted protein product. This variant is not present in population databases (ExAC no frequency). This variant has not been reported in the literature in individuals with PIGN-related conditions. Loss-of-function variants in PIGN are known to be pathogenic (PMID: 24253414, 27038415). For these reasons, this variant has been classified as Pathogenic.